The following is an entry in ClinVar:

ClinVar aggregate classification (germline): Uncertain significance (1 of 4 stars; one submission).

gnomAD v4.1: 1 of 1,613,086 alleles (0.000062%); highest among the groups gnomAD compares: Non-Finnish European, 0.000085%; no homozygotes.

Submission:

Labcorp Genetics (formerly Invitae), Labcorp
Classification: Uncertain significance. Last evaluated: 2022-08-29. Review status: criteria provided, single submitter. Criteria: Invitae Variant Classification Sherloc (09022015). Collection method: clinical testing. Allele origin: germline.
Comment: In summary, the available evidence is currently insufficient to determine the role of this variant in disease. Therefore, it has been classified as a Variant of Uncertain Significance. Algorithms developed to predict the effect of missense changes on protein structure and function (SIFT, PolyPhen-2, Align-GVGD) all suggest that this variant is likely to be disruptive. This variant has not been reported in the literature in individuals affected with RECQL-related conditions. This variant is not present in population databases (gnomAD no frequency). This sequence change replaces histidine, which is basic and polar, with proline, which is neutral and non-polar, at codon 388 of the RECQL protein (p.His388Pro).

NM_002907.4(RECQL):c.1163A>C (p.His388Pro)

Gene: RECQL (RecQ like helicase; minus strand). Cytogenetic location: 12p12.1.
Variant type: single nucleotide variant.
Coding change: c.1163A>C on transcript NM_002907.4 (MANE Select); coding-DNA position 1163, A replaced by C.
Protein change: p.His388Pro; replaces histidine 388 with proline.
Molecular consequence: missense variant.
Genome position (GRCh38, 1-based): chr12:21,475,521, T>G on the plus strand (A>C on the coding strand, the complement: RECQL is on the minus strand). VCF-style: chr12-21475521-T-G. GRCh37 (hg19) VCF-style: chr12-21628455-T-G.
Other names: c.1163A>C, p.His388Pro (NM_032941.3); short protein forms H388P.
Identifiers: ClinVar variation 1991880 (VCV001991880.4), dbSNP rs768267000, ClinGen allele CA384119674.